The following is an entry in ClinVar:

ClinVar aggregate classification (germline): Uncertain significance (1 of 4 stars; one submission).

Allele frequency attached by ClinVar (database versions not stated): gnomAD exomes below 0.00001.
gnomAD v4.1: 1 of 1,611,300 alleles (0.000062%); highest among the groups gnomAD compares: Non-Finnish European, 0.000085%; no homozygotes.

Submission:

Women's Health and Genetics/Laboratory Corporation of America, LabCorp
Classification: Uncertain significance. Last evaluated: 2024-02-01. Review status: criteria provided, single submitter. Criteria: LabCorp Variant Classification Summary - May 2015. Collection method: clinical testing. Allele origin: germline.
Comment: Variant summary: SLC34A1 c.-1G>A is located in the untranslated mRNA region upstream of the initiation codon and it may affect the translation initiation of SLC34A1, however no indirect evidence, such as pathogenic/likely pathogenic 5' UTR/inititation variants, missense/in-frame upstream of the next downstream in-frame Met 24 have been identified by far. The variant allele was not found in 245422 control chromosomes. To our knowledge, no occurrence of c.-1G>A in individuals affected with SLC34A1-Related Disorders and no experimental evidence demonstrating its impact on protein function have been reported. No submitters have cited clinical-significance assessments for this variant to ClinVar. Based on the evidence outlined above, the variant was classified as uncertain significance.

NM_003052.5(SLC34A1):c.-1G>A

Gene: SLC34A1 (solute carrier family 34 member 1; plus strand). Cytogenetic location: 5q35.3.
Variant type: single nucleotide variant.
Coding change: c.-1G>A on transcript NM_003052.5 (MANE Select); 1 bases upstream of the start codon, G replaced by A.
Molecular consequence: 5 prime UTR variant.
Genome position (GRCh38, 1-based): chr5:177,385,741, G>A. VCF-style: chr5-177385741-G-A. GRCh37 (hg19) VCF-style: chr5-176812742-G-A.
Other names: c.-1G>A (NM_001167579.2).
Identifiers: ClinVar variation 3068996 (VCV003068996.2), dbSNP rs2481007666, ClinGen allele CA2676706230.